The following is an entry in ClinVar:

ClinVar aggregate classification (germline): Uncertain significance. Review status: criteria provided, multiple submitters, no conflicts (2 of 4 stars). 2 submissions from 2 submitters: Uncertain significance (2). Last evaluated 2025-07-09.

Conditions:
DICER1-related tumor predisposition. Also called: DICER1-related pleuropulmonary blastoma cancer predisposition syndrome; DICER1 syndrome. Identifiers: Orphanet 284343, MedGen C3839822, MONDO:0100216.
Hereditary cancer-predisposing syndrome. Also called: Hereditary Cancer Syndrome; Neoplastic Syndromes, Hereditary; Hereditary neoplastic syndrome; Tumor predisposition. Identifiers: Orphanet 140162, MedGen C0027672, MeSH D009386, MONDO:0015356.

Submissions (2):

Labcorp Genetics (formerly Invitae), Labcorp
Classification: Uncertain significance for DICER1-related tumor predisposition. Last evaluated: 2025-07-09. Review status: criteria provided, single submitter. Criteria: Invitae Variant Classification Sherloc (09022015). Collection method: clinical testing. Allele origin: germline.
Comment: This sequence change replaces proline, which is neutral and non-polar, with threonine, which is neutral and polar, at codon 365 of the DICER1 protein (p.Pro365Thr). This variant is not present in population databases (gnomAD no frequency). This variant has not been reported in the literature in individuals affected with DICER1-related conditions. ClinVar contains an entry for this variant (Variation ID: 822150). Invitae Evidence Modeling of protein sequence and biophysical properties (such as structural, functional, and spatial information, amino acid conservation, physicochemical variation, residue mobility, and thermodynamic stability) indicates that this missense variant is not expected to disrupt DICER1 protein function with a negative predictive value of 95%. In summary, the available evidence is currently insufficient to determine the role of this variant in disease. Therefore, it has been classified as a Variant of Uncertain Significance.

Ambry Genetics
Classification: Uncertain significance for Hereditary cancer-predisposing syndrome. Last evaluated: 2022-07-28. Review status: criteria provided, single submitter. Criteria: Ambry Variant Classification Scheme 2023. Collection method: clinical testing. Allele origin: germline.
Comment: The p.P365T variant (also known as c.1093C>A), located in coding exon 7 of the DICER1 gene, results from a C to A substitution at nucleotide position 1093. The proline at codon 365 is replaced by threonine, an amino acid with highly similar properties. This amino acid position is highly conserved in available vertebrate species. In addition, the in silico prediction for this alteration is inconclusive. Since supporting evidence is limited at this time, the clinical significance of this alteration remains unclear.

NM_177438.3(DICER1):c.1093C>A (p.Pro365Thr)

Gene: DICER1 (dicer 1, ribonuclease III; minus strand). Cytogenetic location: 14q32.13.
Variant type: single nucleotide variant.
Coding change: c.1093C>A on transcript NM_177438.3 (MANE Select); coding-DNA position 1093, C replaced by A.
Protein change: p.Pro365Thr; replaces proline 365 with threonine.
Molecular consequence: missense variant.
Genome position (GRCh38, 1-based): chr14:95,124,479, G>T on the plus strand (C>A on the coding strand, the complement: DICER1 is on the minus strand). VCF-style: chr14-95124479-G-T. GRCh37 (hg19) VCF-style: chr14-95590816-G-T.
Other names: c.1093C>A, p.Pro365Thr (NM_001195573.1, NM_001271282.3, NM_001291628.2 and 1 more transcripts); short protein forms P365T.
Identifiers: ClinVar variation 822150 (VCV000822150.5), dbSNP rs1595439559, ClinGen allele CA390886973.